The following is an entry in ClinVar:

ClinVar aggregate classification (germline): Uncertain significance (1 of 4 stars; one submission).

Submission:

Labcorp Genetics (formerly Invitae), Labcorp
Classification: Uncertain significance. Last evaluated: 2022-08-24. Review status: criteria provided, single submitter. Criteria: Invitae Variant Classification Sherloc (09022015). Collection method: clinical testing. Allele origin: germline.
Comment: In summary, the available evidence is currently insufficient to determine the role of this variant in disease. Therefore, it has been classified as a Variant of Uncertain Significance. Algorithms developed to predict the effect of missense changes on protein structure and function are either unavailable or do not agree on the potential impact of this missense change (SIFT: "Deleterious"; PolyPhen-2: "Probably Damaging"; Align-GVGD: "Class C0"). This missense change has been observed in individual(s) with pyruvate kinase deficiency (PMID: 25941984). This variant is not present in population databases (gnomAD no frequency). This sequence change replaces lysine, which is basic and polar, with asparagine, which is neutral and polar, at codon 541 of the PKLR protein (p.Lys541Asn).

Literature cited by the submitters: PubMed 25941984.

NM_000298.6(PKLR):c.1623G>C (p.Lys541Asn)

Gene: PKLR (pyruvate kinase L/R; minus strand). Cytogenetic location: 1q22.
Variant type: single nucleotide variant.
Coding change: c.1623G>C on transcript NM_000298.6 (MANE Select); coding-DNA position 1623, G replaced by C.
Protein change: p.Lys541Asn; replaces lysine 541 with asparagine.
Molecular consequence: missense variant.
Genome position (GRCh38, 1-based): chr1:155,290,674, C>G on the plus strand (G>C on the coding strand, the complement: PKLR is on the minus strand). VCF-style: chr1-155290674-C-G. GRCh37 (hg19) VCF-style: chr1-155260465-C-G.
Other names: c.1530G>C, p.Lys510Asn (NM_181871.4); short protein forms K541N, K510N.
Identifiers: ClinVar variation 2202851 (VCV002202851.4), dbSNP rs1169315216, ClinGen allele CA342748668.